The following is an entry in ClinVar:

NM_001369.3(DNAH5):c.1958C>T (p.Thr653Met)

Gene: DNAH5 (dynein axonemal heavy chain 5; minus strand). Cytogenetic location: 5p15.2.
Variant type: single nucleotide variant.
Coding change: c.1958C>T on transcript NM_001369.3 (MANE Select); coding-DNA position 1958, C replaced by T.
Protein change: p.Thr653Met; replaces threonine 653 with methionine.
Molecular consequence: missense variant.
Genome position (GRCh38, 1-based): chr5:13,901,346, G>A on the plus strand (C>T on the coding strand, the complement: DNAH5 is on the minus strand). VCF-style: chr5-13901346-G-A. GRCh37 (hg19) VCF-style: chr5-13901455-G-A.
Other names: short protein forms T653M.
Identifiers: ClinVar variation 582954 (VCV000582954.17), dbSNP rs201020293, ClinGen allele CA3204711.

ClinVar aggregate classification (germline): Conflicting classifications of pathogenicity. Review status: criteria provided, conflicting classifications (1 of 4 stars). 4 submissions from 4 submitters: Uncertain significance (1); Likely benign (2). 1 of the submissions does not count toward it. Last evaluated 2025-12-30.

Conditions:
Primary ciliary dyskinesia 3. Identifiers: Orphanet 244, MedGen C1837618, MONDO:0012085, OMIM 608644.
Primary ciliary dyskinesia. Also called: Ciliary dyskinesia. Identifiers: Orphanet 244, MedGen C0008780, MONDO:0016575, HP:0012265.

Allele frequency attached by ClinVar (database versions not stated): gnomAD 0.00005 and 0.00006; TOPMed 0.00005.
gnomAD v4.1: 88 of 1,614,002 alleles (0.0055%); highest among the groups gnomAD compares: East Asian, 0.02%; no homozygotes.

Submissions (4):

Labcorp Genetics (formerly Invitae), Labcorp
Classification: Likely benign for Primary ciliary dyskinesia. Last evaluated: 2025-12-30. Review status: criteria provided, single submitter. Criteria: Invitae Variant Classification Sherloc (09022015). Collection method: clinical testing. Allele origin: germline.

Johns Hopkins Genomics, Johns Hopkins University
Classification: Likely benign for Primary ciliary dyskinesia 3. Last evaluated: 2022-01-07. Review status: criteria provided, single submitter. Criteria: ACMG Guidelines, 2015. Collection method: clinical testing. Allele origin: germline.

Ambry Genetics
Classification: Uncertain significance for Primary ciliary dyskinesia. Last evaluated: 2021-06-14. Review status: criteria provided, single submitter. Criteria: Ambry Variant Classification Scheme 2023. Collection method: clinical testing. Allele origin: germline.
Comment: The p.T653M variant (also known as c.1958C>T), located in coding exon 14 of the DNAH5 gene, results from a C to T substitution at nucleotide position 1958. The threonine at codon 653 is replaced by methionine, an amino acid with similar properties. This amino acid position is conserved. In addition, this alteration is predicted to be tolerated by in silico analysis. Since supporting evidence is limited at this time, the clinical significance of this alteration remains unclear.

Natera, Inc.
Classification: Uncertain significance for Primary ciliary dyskinesia. Last evaluated: 2019-10-28. Review status: no assertion criteria provided. Collection method: clinical testing. Allele origin: germline. Not counted in ClinVar's aggregate classification.